The following is an entry in ClinVar:

ClinVar aggregate classification (germline): Uncertain significance (1 of 4 stars; one submission).

Conditions:
Xanthinuria type II. Also called: Xanthine dehydrogenase and aldehyde oxidase combined deficiency of; XDH and AOX dual deficiency. Identifiers: Orphanet 3467, Orphanet 93602, MedGen C1863688, MONDO:0011346, OMIM 603592.

Allele frequency attached by ClinVar (database versions not stated): gnomAD 0.00002 and 0.00003; gnomAD exomes 0.00005 and 0.00006; TOPMed 0.00006; ExAC 0.00007; 1000 Genomes Project 30x 0.00016; 1000 Genomes Project 0.00020.
gnomAD v4.1: 71 of 1,614,118 alleles (0.0044%); highest among the groups gnomAD compares: South Asian, 0.013%; no homozygotes.

Submission:

Labcorp Genetics (formerly Invitae), Labcorp
Classification: Uncertain significance for Xanthinuria type II. Last evaluated: 2021-08-27. Review status: criteria provided, single submitter. Criteria: Invitae Variant Classification Sherloc (09022015). Collection method: clinical testing. Allele origin: germline.
Comment: This sequence change replaces arginine with tryptophan at codon 129 of the XDH protein (p.Arg129Trp). The arginine residue is highly conserved and there is a moderate physicochemical difference between arginine and tryptophan. This variant is present in population databases (rs145064943, ExAC 0.01%). This variant has not been reported in the literature in individuals affected with XDH-related conditions. Algorithms developed to predict the effect of missense changes on protein structure and function (SIFT, PolyPhen-2, Align-GVGD) all suggest that this variant is likely to be disruptive. In summary, the available evidence is currently insufficient to determine the role of this variant in disease. Therefore, it has been classified as a Variant of Uncertain Significance.

NM_000379.4(XDH):c.385C>T (p.Arg129Trp)

Gene: XDH (xanthine dehydrogenase; minus strand). Cytogenetic location: 2p23.1.
Variant type: single nucleotide variant.
Coding change: c.385C>T on transcript NM_000379.4 (MANE Select); coding-DNA position 385, C replaced by T.
Protein change: p.Arg129Trp; replaces arginine 129 with tryptophan.
Molecular consequence: missense variant.
Genome position (GRCh38, 1-based): chr2:31,398,621, G>A on the plus strand (C>T on the coding strand, the complement: XDH is on the minus strand). VCF-style: chr2-31398621-G-A. GRCh37 (hg19) VCF-style: chr2-31621487-G-A.
Other names: short protein forms R129W.
Identifiers: ClinVar variation 660276 (VCV000660276.8), dbSNP rs145064943, ClinGen allele CA1599660.